The following is an entry in ClinVar:

ClinVar aggregate classification (germline): Pathogenic. Review status: criteria provided, multiple submitters, no conflicts (2 of 4 stars). 2 submissions from 2 submitters: Pathogenic (2). Last evaluated 2022-05-25.

Conditions:
Familial dysfibrinogenemia. Also called: Dysfibrinogenemia, congenital. Identifiers: Orphanet 335, Orphanet 98881, MedGen C0272350, MONDO:0014452, OMIM 616004.
Congenital afibrinogenemia. Identifiers: Orphanet 335, Orphanet 98880, MedGen C2584774, MONDO:0008737, OMIM 202400.

Submissions (2):

Women's Health and Genetics/Laboratory Corporation of America, LabCorp
Classification: Pathogenic for Familial dysfibrinogenemia. Last evaluated: 2022-05-25. Review status: criteria provided, single submitter. Criteria: LabCorp Variant Classification Summary - May 2015. Collection method: clinical testing. Allele origin: germline.
Comment: Variant summary: FGA c.448C>T (p.Gln150X) results in a premature termination codon, predicted to cause a truncation of the encoded protein or absence of the protein due to nonsense mediated decay, which are commonly known mechanisms for disease. The variant was absent in 251290 control chromosomes. c.448C>T has been reported in the literature in individuals affected with Congenital Dysfibrinogenemia (example, Wu_2005) and subsequently cited by others (example, de Moerloose_2013). These data indicate that the variant is likely to be associated with disease. To our knowledge, no experimental evidence demonstrating an impact on protein function has been reported. No clinical diagnostic laboratories have submitted clinical-significance assessments for this variant to ClinVar after 2014. Based on the evidence outlined above, the variant was classified as pathogenic.

Juno Genomics, Hangzhou Juno Genomics, Inc
Classification: Pathogenic for Congenital afibrinogenemia. Review status: criteria provided, single submitter. Criteria: ACMG Guidelines, 2015. Collection method: clinical testing. Allele origin: germline. Affected: yes.
Comment: Absent from controls (or at extremely low frequency if recessive) in Genome Aggregation Database, Exome Sequencing Project, 1000 Genomes Project, or Exome Aggregation Consortium.;Null variant in a gene where loss of function (LOF) is a known mechanism of disease.;For recessive disorders, detected in trans with a pathogenic variant.;Patient's phenotype or family history is highly specific for a disease with a single genetic etiology.

Literature cited by the submitters: PubMed 15795544 (cited by Women's Health and Genetics/Laboratory Corporation of America, LabCorp); PubMed 23852822 (cited by Women's Health and Genetics/Laboratory Corporation of America, LabCorp).

NM_021871.4(FGA):c.448C>T (p.Gln150Ter)

Gene: FGA (fibrinogen alpha chain; minus strand). Cytogenetic location: 4q31.3.
Variant type: single nucleotide variant.
Coding change: c.448C>T on transcript NM_021871.4 (MANE Select); coding-DNA position 448, C replaced by T.
Protein change: p.Gln150Ter; replaces glutamine 150 with a stop codon.
Molecular consequence: nonsense.
Genome position (GRCh38, 1-based): chr4:154,587,574, G>A on the plus strand (C>T on the coding strand, the complement: FGA is on the minus strand). VCF-style: chr4-154587574-G-A. GRCh37 (hg19) VCF-style: chr4-155508726-G-A.
Other names: c.448C>T, p.Gln150Ter (NM_000508.5); short protein forms Q150*.
Identifiers: ClinVar variation 1696375 (VCV001696375.3), dbSNP rs763715993, ClinGen allele CA358532104.
Genomic context (GRCh38, chr4:154,587,574, plus strand): 5'-CCAGTCGTTTCATATCAACCAACTGAGCTCTAACATTTTTCTGCAGAAGCTGGATATGCT[G>A]TACTTTTTCTATGACTTTGCGCTTCAGGACTTCAATTCTGCTTCTCAGATCCTCTGACAC-3'